The following is an entry in ClinVar:

ClinVar aggregate classification (germline): Pathogenic (1 of 4 stars; one submission).

Conditions:
Tuberous sclerosis 1 (TSC1). Identifiers: Orphanet 805, MedGen C1854465, MONDO:0008612, OMIM 191100.

Submission:

Labcorp Genetics (formerly Invitae), Labcorp
Classification: Pathogenic for Tuberous sclerosis 1. Last evaluated: 2021-02-23. Review status: criteria provided, single submitter. Criteria: Invitae Variant Classification Sherloc (09022015). Collection method: clinical testing. Allele origin: germline.
Comment: This variant has not been reported in the literature in individuals with TSC1-related conditions. This variant is not present in population databases (ExAC no frequency). This sequence change creates a premature translational stop signal (p.Val723*) in the TSC1 gene. It is expected to result in an absent or disrupted protein product. Loss-of-function variants in TSC1 are known to be pathogenic (PMID: 10227394, 17304050). For these reasons, this variant has been classified as Pathogenic.

Literature cited by the submitters: PubMed 10227394; PubMed 17304050.

NM_000368.5(TSC1):c.2167del (p.Lys722_Val723insTer)

Gene: TSC1 (TSC complex subunit 1; minus strand). Cytogenetic location: 9q34.13.
Variant type: Deletion.
Coding change: c.2167del on transcript NM_000368.5 (MANE Select); coding-DNA position 2167, one base deleted (G; older notation c.2167delG).
Protein change: p.Lys722_Val723insTer.
Molecular consequence: nonsense.
Genome position (GRCh38, 1-based): chr9:132,903,692, C deleted on the plus strand (G on the coding strand, the reverse complement: TSC1 is on the minus strand); the first of 2 consecutive C bases (chr9:132,903,692-132,903,693); deleting either gives the same sequence. VCF-style (leftmost placement, unchanged base first): chr9-132903691-AC-A. GRCh37 (hg19) VCF-style: chr9-135779078-AC-A.
Other names: c.2164del, p.Lys721_Val722insTer (NM_001162426.2); c.2014del, p.Lys671_Val672insTer (NM_001162427.2); c.1804del, p.Lys601_Val602insTer (NM_001362177.2).
Identifiers: ClinVar variation 1435434 (VCV001435434.6), dbSNP rs2131760465, ClinGen allele CA2573144247.